The following is an entry in ClinVar:

ClinVar aggregate classification (germline): Uncertain significance (1 of 4 stars; one submission).

Conditions:
Hereditary cancer-predisposing syndrome. Also called: Neoplastic Syndromes, Hereditary; Tumor predisposition; Hereditary Cancer Syndrome; Hereditary neoplastic syndrome. Identifiers: Orphanet 140162, MedGen C0027672, MeSH D009386, MONDO:0015356.

Allele frequency attached by ClinVar (database versions not stated): gnomAD 0.00001.
gnomAD v4.1: 2 of 1,614,070 alleles (0.00012%); highest among the groups gnomAD compares: Non-Finnish European, 0.00017%; no homozygotes.

Submission:

Ambry Genetics
Classification: Uncertain significance for Hereditary cancer-predisposing syndrome. Last evaluated: 2022-09-11. Review status: criteria provided, single submitter. Criteria: Ambry Variant Classification Scheme 2023. Collection method: clinical testing. Allele origin: germline.
Comment: The p.L1117V variant (also known as c.3349C>G), located in coding exon 21 of the TSC1 gene, results from a C to G substitution at nucleotide position 3349. The leucine at codon 1117 is replaced by valine, an amino acid with highly similar properties. This amino acid position is conserved. In addition, this alteration is predicted to be tolerated by in silico analysis. Since supporting evidence is limited at this time, the clinical significance of this alteration remains unclear.

NM_000368.5(TSC1):c.3349C>G (p.Leu1117Val)

Gene: TSC1 (TSC complex subunit 1; minus strand). Cytogenetic location: 9q34.13.
Variant type: single nucleotide variant.
Coding change: c.3349C>G on transcript NM_000368.5 (MANE Select); coding-DNA position 3349, C replaced by G.
Protein change: p.Leu1117Val; replaces leucine 1117 with valine.
Molecular consequence: missense variant.
Genome position (GRCh38, 1-based): chr9:132,896,381, G>C on the plus strand (C>G on the coding strand, the complement: TSC1 is on the minus strand). VCF-style: chr9-132896381-G-C. GRCh37 (hg19) VCF-style: chr9-135771768-G-C.
Other names: c.3193C>G, p.Leu1065Val (NM_001406611.1, NM_001406612.1); c.2986C>G, p.Leu996Val (NM_001406616.1, NM_001406617.1, NM_001406618.1 and 4 more transcripts); c.2983C>G, p.Leu995Val (NM_001406623.1, NM_001406620.1, NM_001406621.1 and 1 more transcripts); c.2944C>G, p.Leu982Val (NM_001406624.1); c.2941C>G, p.Leu981Val (NM_001406625.1); c.2398C>G, p.Leu800Val (NM_001406626.1); c.3151C>G, p.Leu1051Val (NM_001406613.1); c.2395C>G, p.Leu799Val (NM_001406627.1, NM_001406628.1); and 8 more; short protein forms L1065V, L1112V, L766V, L982V, L996V, L1066V, L1117V, L800V.
Identifiers: ClinVar variation 1730486 (VCV001730486.2), dbSNP rs1845041488, ClinGen allele CA375366559.